The following is an entry in ClinVar:

ClinVar aggregate classification (germline): Likely benign (1 of 4 stars; one submission).

Submission:

CeGaT Center for Human Genetics Tuebingen
Classification: Likely benign. Last evaluated: 2022-03-01. Review status: criteria provided, single submitter. Criteria: CeGaT Center For Human Genetics Tuebingen Variant Classification Criteria Version 2. Collection method: clinical testing. Allele origin: germline. Affected: yes. Observed: 1 variant allele.
Comment: OTUD6B: PM2:Supporting, BP4, BP7

NM_016023.5(OTUD6B):c.81A>G (p.Gln27=)

Genes: OTUD6B (OTU deubiquitinase 6B; plus strand), LOC130000726 (ATAC-STARR-seq lymphoblastoid active region 27614; plus strand). Cytogenetic location: 8q21.3.
Variant type: single nucleotide variant.
Coding change: c.81A>G on transcript NM_016023.5 (MANE Select); coding-DNA position 81, A replaced by G.
Protein change: p.Gln27=; no amino-acid change (glutamine 27 retained).
Molecular consequence: synonymous variant. On other transcripts: 5 prime UTR variant (1).
Genome position (GRCh38, 1-based): chr8:91,070,465, A>G. VCF-style: chr8-91070465-A-G. GRCh37 (hg19) VCF-style: chr8-92082693-A-G.
Other names: c.-363A>G (NM_001286745.3); c.81A>G, p.Gln27= (NM_001416022.1).
Identifiers: ClinVar variation 2658683 (VCV002658683.24), dbSNP rs1431292062, ClinGen allele CA461835417.
Genomic context (GRCh38, chr8:91,070,465, plus strand): 5'-AGAGCTTGATGAGGAAGAGCAGCTGCTGAGAAGGCATCGCAAAGAGAAGAAGGAGTTGCA[A>G]GGTGAGGCGGAAGGAAGTGGGAATCTGGAAGCCGCCGCGACTGGGGGAAGGGCGCGTGGC-3'
Protein context (NP_057107.4, residues 17-37): RRHRKEKKEL[Gln27=]AKIQGMKNAV